The following is an entry in ClinVar:

ClinVar aggregate classification (germline): Pathogenic (1 of 4 stars; one submission).

Conditions:
LAMA2-related muscular dystrophy (LAMA2-RD). Also called: Laminin alpha 2-related dystrophy. Identifiers: MedGen C5679788, MONDO:0100228.

Allele frequency attached by ClinVar (database versions not stated): gnomAD 0.00001.
gnomAD v4.1: 1 of 1,613,954 alleles (0.000062%); highest among the groups gnomAD compares: Non-Finnish European, 0.000085%; no homozygotes.

Submission:

Labcorp Genetics (formerly Invitae), Labcorp
Classification: Pathogenic for LAMA2-related muscular dystrophy. Last evaluated: 2022-04-29. Review status: criteria provided, single submitter. Criteria: Invitae Variant Classification Sherloc (09022015). Collection method: clinical testing. Allele origin: germline.
Comment: For these reasons, this variant has been classified as Pathogenic. Algorithms developed to predict the effect of sequence changes on RNA splicing suggest that this variant may create or strengthen a splice site. This variant has not been reported in the literature in individuals affected with LAMA2-related conditions. This variant is present in population databases (no rsID available, gnomAD 0.007%). This sequence change creates a premature translational stop signal (p.Glu1216*) in the LAMA2 gene. It is expected to result in an absent or disrupted protein product. Loss-of-function variants in LAMA2 are known to be pathogenic (PMID: 18700894, 32904964).

Literature cited by the submitters: PubMed 18700894; PubMed 32904964.

NM_000426.4(LAMA2):c.3646G>T (p.Glu1216Ter)

Gene: LAMA2 (laminin subunit alpha 2; plus strand). Cytogenetic location: 6q22.33.
Variant type: single nucleotide variant.
Coding change: c.3646G>T on transcript NM_000426.4 (MANE Select); coding-DNA position 3646, G replaced by T.
Protein change: p.Glu1216Ter; replaces glutamic acid 1216 with a stop codon.
Molecular consequence: nonsense.
Genome position (GRCh38, 1-based): chr6:129,315,566, G>T. VCF-style: chr6-129315566-G-T. GRCh37 (hg19) VCF-style: chr6-129636711-G-T.
Other names: c.3646G>T, p.Glu1216Ter (NM_001079823.2); short protein forms E1216*.
Identifiers: ClinVar variation 2131977 (VCV002131977.4), dbSNP rs1359108756, ClinGen allele CA365612882.
Genomic context (GRCh38, chr6:129,315,566, plus strand): 5'-CCCCTGGTAGATGAGGCTCTGCAGCACACGACCACCAAGGGCATTGTTTTTCAACATCCA[G>T]AGATTGTTGCCCACATGGACCTGATGAGAGAAGATCTCCATTTGGAACCTTTTTATTGGA-3'